The following is an entry in ClinVar:

ClinVar aggregate classification (germline): Uncertain significance (1 of 4 stars; one submission).

Conditions:
Neurofibromatosis, type 1 (NF1). Also called: VON RECKLINGHAUSEN DISEASE; Neurofibromatosis, type I; NEUROFIBROMATOSIS, TYPE I, SOMATIC; Peripheral type neurofibromatosis. Identifiers: Orphanet 636, MedGen C0027831, MONDO:0018975, OMIM 162200. Disease mechanism: loss of function.

Submission:

Labcorp Genetics (formerly Invitae), Labcorp
Classification: Uncertain significance for Neurofibromatosis, type 1. Last evaluated: 2026-01-25. Review status: criteria provided, single submitter. Criteria: Invitae Variant Classification Sherloc (09022015). Collection method: clinical testing. Allele origin: germline.
Comment: This sequence change replaces phenylalanine, which is neutral and non-polar, with leucine, which is neutral and non-polar, at codon 2295 of the NF1 protein (p.Phe2295Leu). This variant is not present in population databases (gnomAD no frequency). This variant has not been reported in the literature in individuals affected with NF1-related conditions. Invitae Evidence Modeling of protein sequence and biophysical properties (such as structural, functional, and spatial information, amino acid conservation, physicochemical variation, residue mobility, and thermodynamic stability) indicates that this missense variant is expected to disrupt NF1 protein function with a positive predictive value of 95%. In summary, the available evidence is currently insufficient to determine the role of this variant in disease. Therefore, it has been classified as a Variant of Uncertain Significance.

NM_001042492.3(NF1):c.6948T>A (p.Phe2316Leu)

Gene: NF1 (neurofibromin 1; plus strand). Cytogenetic location: 17q11.2.
Variant type: single nucleotide variant.
Coding change: c.6948T>A on transcript NM_001042492.3 (MANE Select); coding-DNA position 6948, T replaced by A.
Protein change: p.Phe2316Leu; replaces phenylalanine 2316 with leucine.
Molecular consequence: missense variant.
Genome position (GRCh38, 1-based): chr17:31,340,531, T>A. VCF-style: chr17-31340531-T-A. GRCh37 (hg19) VCF-style: chr17-29667549-T-A.
Other names: c.6885T>A, p.Phe2295Leu (NM_000267.4); short protein forms F2295L, F2316L.
Identifiers: ClinVar variation 4800799 (VCV004800799.1).